The following is an entry in ClinVar:

NM_020800.3(IFT80):c.1775T>C (p.Leu592Pro)

Genes: TRIM59-IFT80 (TRIM59-IFT80 readthrough (NMD candidate); minus strand), IFT80 (intraflagellar transport 80; minus strand). Cytogenetic location: 3q25.33.
Variant type: single nucleotide variant.
Coding change: c.1775T>C on transcript NM_020800.3 (MANE Select); coding-DNA position 1775, T replaced by C.
Protein change: p.Leu592Pro; replaces leucine 592 with proline.
Molecular consequence: missense variant. On other transcripts: non-coding transcript variant (3).
Genome position (GRCh38, 1-based): chr3:160,279,254, A>G on the plus strand (T>C on the coding strand, the complement: IFT80 is on the minus strand). VCF-style: chr3-160279254-A-G. GRCh37 (hg19) VCF-style: chr3-159997042-A-G.
Other names: c.1364T>C, p.Leu455Pro (NM_001190241.2, NM_001190242.2); short protein forms L455P, L592P.
Identifiers: ClinVar variation 1431744 (VCV001431744.8), dbSNP rs2108229016, ClinGen allele CA355190863.

ClinVar aggregate classification (germline): Uncertain significance (1 of 4 stars; one submission).

Conditions:
Jeune thoracic dystrophy. Also called: Short-rib thoracic dysplasia; Jeune syndrome; Infantile thoracic dystrophy; Thoracic pelvic phalangeal dystrophy; Jeune's syndrome; Chondroectodermal dysplasia-like syndrome. Identifiers: Orphanet 474, MedGen C0265275, MONDO:0018770.

Submission:

Labcorp Genetics (formerly Invitae), Labcorp
Classification: Uncertain significance for Jeune thoracic dystrophy. Last evaluated: 2023-11-27. Review status: criteria provided, single submitter. Criteria: Invitae Variant Classification Sherloc (09022015). Collection method: clinical testing. Allele origin: germline.
Comment: This sequence change replaces leucine, which is neutral and non-polar, with proline, which is neutral and non-polar, at codon 592 of the IFT80 protein (p.Leu592Pro). This variant is not present in population databases (gnomAD no frequency). This variant has not been reported in the literature in individuals affected with IFT80-related conditions. ClinVar contains an entry for this variant (Variation ID: 1431744). Advanced modeling of protein sequence and biophysical properties (such as structural, functional, and spatial information, amino acid conservation, physicochemical variation, residue mobility, and thermodynamic stability) has been performed at Invitae for this missense variant, however the output from this modeling did not meet the statistical confidence thresholds required to predict the impact of this variant on IFT80 protein function. In summary, the available evidence is currently insufficient to determine the role of this variant in disease. Therefore, it has been classified as a Variant of Uncertain Significance.